The following is an entry in ClinVar:

NM_001009944.3(PKD1):c.215+4_215+5insACAG

Gene: PKD1 (polycystin 1, transient receptor potential channel interacting; minus strand). Cytogenetic location: 16p13.3.
Variant type: Insertion.
Coding change: c.215+4_215+5insACAG on transcript NM_001009944.3 (MANE Select); bases 4 to 5 of the intron after coding-DNA position 215, ACAG inserted.
Molecular consequence: intron variant.
Genome position: GRCh38 VCF-style: chr16-2135470-C-CCTGT. GRCh37 (hg19) VCF-style: chr16-2185471-C-CCTGT.
Other names: c.215+4_215+5insACAG (NM_000296.4).
Identifiers: ClinVar variation 433939 (VCV000433939.2), dbSNP rs1555462432, ClinGen allele CA645373044.
Genomic context (GRCh38, chr16:2,135,470, plus strand): 5'-AGGGAACGCGCCCACGCCCGCCCGTCCCGCGGCCTCTCCCGGGTGCCGCTGGGCCCGCTA[C>CCTGT]TCACAGCGCTGTGGCGTCCGCGGGGATGCGCAGCGCGGGACCGAGCGTCCGCAGCCCGCG-3'

ClinVar aggregate classification (germline): Uncertain significance (0 of 4 stars; one submission).

Submission:

Department of Pathology and Laboratory Medicine, Sinai Health System
Classification: Uncertain significance. Review status: no assertion criteria provided. Collection method: clinical testing. Allele origin: unknown. Affected: yes. Observed: 1 variant allele. Study: The Canadian Open Genetics Repository (COGR).
Comment: The PKD1 c.215+4_215+5insACAG variant was not identified in the literature nor was it identified in the 1000 Genomes Project , NHLBI GO Exome Sequencing Project or the Exome Aggregation Consortium (March 14, 2016) databases. In addition, the variant was not identified in the Clinvitae, ClinVar, GeneInsight COGR, MutDB, ADPKD Mutation Database, PKD1-LOVD and PKD1-LOVD 3.0 databases. This c.215+4_215+5insACAG variant is located in the 5' splice region but does not affect the invariant +1 and +2 positions. However, positions +3 to +6 are part of the splicing consensus sequence and variants involving these positions sometimes affect splicing. Five of 5 in-silico or computational prediction software programs (SpliceSiteFinder, MaxEntScan, NNSPLICE, GeneSplicer, HumanSpliceFinder) predict the creation of a new 5â€šÃ„Ã´ splice donor site, increasing the likelihood this variant may have clinical significance. In summary, based on the above information, the clinical significance of this variant cannot be determined with certainty at this time. This variant is classified as a variant of uncertain significance.